The following is an entry in ClinVar:

ClinVar aggregate classification (germline): Uncertain significance. Review status: reviewed by expert panel (3 of 4 stars). 3 submissions from 3 submitters: Uncertain significance (1). 2 of the submissions do not count toward it. Last evaluated 2024-05-13.

Conditions:
Mitochondrial disease. Also called: Mitochondrial disorder; Mitochondrial disorders. Identifiers: Orphanet 68380, MedGen C0751651, MeSH D028361, MONDO:0044970.
MELAS syndrome (MELAS). Also called: Juvenile myopathy, encephalopathy, lactic acidosis, stroke. Identifiers: Orphanet 550, MedGen C0162671, MONDO:0010789, OMIM 540000.
NEUROGASTROINTESTINAL SYNDROME, MITOCHONDRIAL. Identifiers: MedGen C4016629.

Submissions (3):

ClinGen Mitochondrial Disease Nuclear and Mitochondrial  Variant Curation Expert Panel, ClinGen
Classification: Uncertain significance for Mitochondrial disease. Last evaluated: 2024-05-13. Review status: reviewed by expert panel. Criteria: clingen mito disease acmg specifications v1-1. Collection method: curation. Allele origin: germline. Inheritance: Mitochondrial inheritance.
Comment: Brain imaging showed generalized atrophy and periventricular white matter changes. Elevated lactate was seen in blood and cerebrospinal fluid. Muscle biopsy showed ragged red fibers and mitochondrial respiratory chain complex I and IV deficiency. The variant was present at 92% heteroplasmy in muscle, 37% in fibroblasts, and 21% in blood. The variant was present at lower heteroplasmy levels in blood from her healthy mother (7%) and brother (9%; PP1; PMID: 15054399). There are no other individuals or families reported in the medical literature. Although there is one occurrence of this variant in population databases (1/61,134 in MITOMAP, absent in Helix and gnomad v3.1.2), the frequency is still low (PM2_supporting). In silico predictors are conflicting as the computational predictor MitoTIP suggests this variant is likely benign (19.4 percentile) but HmtVAR predicts it to be deleterious with a score of 0.7. Single fiber testing showed higher levels of the variant in COX-negative fibers (>90%) than in COX-positive fibers (6-85%, p<0.0001, PS3_supporting, PMID: 15054399). In summary, this variant meets criteria to be classified as uncertain significance for primary mitochondrial disease inherited in a mitochondrial manner. This classification was approved by the NICHD/NINDS U24 ClinGen Mitochondrial Disease Variant Curation Expert Panel on May 13, 2024. Mitochondrial DNA-specific ACMG/AMP criteria applied (PMID: 32906214): PP1, PS3_supporting, PM2_supporting.

Mendelics
Classification: Pathogenic for MELAS syndrome. Last evaluated: 2022-05-04. Review status: criteria provided, single submitter. Criteria: Mendelics Assertion Criteria 2019. Collection method: clinical testing. Allele origin: germline. Not counted in ClinVar's aggregate classification.

OMIM
Classification: Pathogenic for NEUROGASTROINTESTINAL SYNDROME, MITOCHONDRIAL. Last evaluated: 2004-06-01. Review status: no assertion criteria provided. Collection method: literature only. Allele origin: germline. Not counted in ClinVar's aggregate classification.

Literature cited by the submitters: PubMed 15054399 (cited by ClinGen Mitochondrial Disease Nuclear and Mitochondrial  Variant Curation Expert Panel, ClinGen and OMIM).

NC_012920.1(MT-TW):m.5532G>A

Gene: MT-TW (mitochondrially encoded tRNA tryptophan; plus strand).
Variant type: single nucleotide variant.
Genome position: chrM-5532-G-A.
Other names: 5532G-A.
Identifiers: ClinVar variation 9557 (VCV000009557.3), dbSNP rs199474674, ClinGen allele CA120542.